The following is an entry in ClinVar:

ClinVar aggregate classification (germline): Uncertain significance. Review status: criteria provided, multiple submitters, no conflicts (2 of 4 stars). 2 submissions from 2 submitters: Uncertain significance (2). Last evaluated 2024-04-12.

Conditions:
Fanconi anemia complementation group J. Also called: BRIP1-Related Fanconi Anemia. Identifiers: Orphanet 84, MedGen C1836860, MONDO:0012187, OMIM 609054.
Familial cancer of breast. Also called: BREAST CANCER, FAMILIAL; Hereditary breast cancer; hereditary breast carcinoma. Identifiers: Orphanet 227535, MedGen C0346153, MONDO:0016419, OMIM 114480. Disease mechanism: loss of function.

Submissions (2):

Quest Diagnostics Nichols Institute San Juan Capistrano
Classification: Uncertain significance. Last evaluated: 2024-04-12. Review status: criteria provided, single submitter. Criteria: Quest Diagnostics criteria. Collection method: clinical testing. Allele origin: unknown.
Comment: The BRIP1 c.2801T>G (p.Phe934Cys) variant has not been reported in individuals with BRIP1-related conditions in the published literature. It also has not been reported in large, multi-ethnic general populations (Genome Aggregation Database). Analysis of this variant using bioinformatics tools for the prediction of the effect of amino acid changes on protein structure and function yielded predictions that this variant is benign. Based on the available information, we are unable to determine the clinical significance of this variant.

Labcorp Genetics (formerly Invitae), Labcorp
Classification: Uncertain significance for Familial cancer of breast; Fanconi anemia complementation group J. Last evaluated: 2023-12-07. Review status: criteria provided, single submitter. Criteria: Invitae Variant Classification Sherloc (09022015). Collection method: clinical testing. Allele origin: germline.
Comment: This sequence change replaces phenylalanine, which is neutral and non-polar, with cysteine, which is neutral and slightly polar, at codon 934 of the BRIP1 protein (p.Phe934Cys). This variant is not present in population databases (gnomAD no frequency). This variant has not been reported in the literature in individuals affected with BRIP1-related conditions. ClinVar contains an entry for this variant (Variation ID: 1039468). Advanced modeling of protein sequence and biophysical properties (such as structural, functional, and spatial information, amino acid conservation, physicochemical variation, residue mobility, and thermodynamic stability) performed at Invitae indicates that this missense variant is not expected to disrupt BRIP1 protein function with a negative predictive value of 80%. In summary, the available evidence is currently insufficient to determine the role of this variant in disease. Therefore, it has been classified as a Variant of Uncertain Significance.

NM_032043.3(BRIP1):c.2801T>G (p.Phe934Cys)

Gene: BRIP1 (BRCA1 interacting DNA helicase 1; minus strand). Cytogenetic location: 17q23.2.
Variant type: single nucleotide variant.
Coding change: c.2801T>G on transcript NM_032043.3 (MANE Select); coding-DNA position 2801, T replaced by G.
Protein change: p.Phe934Cys; replaces phenylalanine 934 with cysteine.
Molecular consequence: missense variant.
Genome position (GRCh38, 1-based): chr17:61,685,940, A>C on the plus strand (T>G on the coding strand, the complement: BRIP1 is on the minus strand). VCF-style: chr17-61685940-A-C. GRCh37 (hg19) VCF-style: chr17-59763301-A-C.
Other names: c.2801T>G (NM_032043.2); short protein forms F934C.
Identifiers: ClinVar variation 1039468 (VCV001039468.10), dbSNP rs778916092, ClinGen allele CA400481503.